The following is an entry in ClinVar:

ClinVar aggregate classification (germline): Uncertain significance (1 of 4 stars; one submission).

Conditions:
Inborn genetic diseases. Identifiers: MedGen C0950123, MeSH D030342.

Submission:

Ambry Genetics
Classification: Uncertain significance for Inborn genetic diseases. Last evaluated: 2026-02-02. Review status: criteria provided, single submitter. Criteria: Ambry Variant Classification Scheme 2023. Collection method: clinical testing. Allele origin: germline.
Comment: The p.S226G variant (also known as c.676A>G), located in coding exon 6 of the RUNX1 gene, results from an A to G substitution at nucleotide position 676. The serine at codon 226 is replaced by glycine, an amino acid with similar properties. This amino acid position is highly conserved in available vertebrate species. In addition, the in silico prediction for this alteration is inconclusive. Based on the available evidence, the clinical significance of this variant remains unclear.

NM_001754.5(RUNX1):c.676A>G (p.Ser226Gly)

Gene: RUNX1 (RUNX family transcription factor 1; minus strand). Cytogenetic location: 21q22.12.
Variant type: single nucleotide variant.
Coding change: c.676A>G on transcript NM_001754.5 (MANE Select); coding-DNA position 676, A replaced by G.
Protein change: p.Ser226Gly; replaces serine 226 with glycine.
Molecular consequence: missense variant.
Genome position (GRCh38, 1-based): chr21:34,834,539, T>C on the plus strand (A>G on the coding strand, the complement: RUNX1 is on the minus strand). VCF-style: chr21-34834539-T-C. GRCh37 (hg19) VCF-style: chr21-36206836-T-C.
Other names: c.595A>G, p.Ser199Gly (NM_001001890.3, NM_001122607.2); short protein forms S199G, S226G.
Identifiers: ClinVar variation 4825285 (VCV004825285.1).
Genomic context (GRCh38, chr21:34,834,539, plus strand): 5'-TGGGGGCTGGGTGGTGTGGGCTGACCCTCATGGCTGTGCGCCGCAGCTGCTCCAGTTCAC[T>C]GAGCCGCTCGGAAAAGGACAAGCTCCCGGGCTTGGTCTGATCATCTAGTTTCTGCCGATG-3'
Protein context (NP_001745.2, residues 216-236): PGSLSFSERL[Ser226Gly]ELEQLRRTAM